The following is an entry in ClinVar:

NM_000070.3(CAPN3):c.1042G>A (p.Gly348Ser)

Gene: CAPN3 (calpain 3; plus strand). Cytogenetic location: 15q15.1.
Variant type: single nucleotide variant.
Coding change: c.1042G>A on transcript NM_000070.3 (MANE Select); coding-DNA position 1042, G replaced by A.
Protein change: p.Gly348Ser; replaces glycine 348 with serine.
Molecular consequence: missense variant.
Genome position (GRCh38, 1-based): chr15:42,394,268, G>A. VCF-style: chr15-42394268-G-A. GRCh37 (hg19) VCF-style: chr15-42686466-G-A.
Other names: c.1042G>A, p.Gly348Ser (NM_024344.2); c.898G>A, p.Gly300Ser (NM_173087.2); c.781G>A, p.Gly261Ser (NM_212464.2); c.*735G>A (NM_212467.2); short protein forms G261S, G348S, G300S.
Identifiers: ClinVar variation 2176811 (VCV002176811.1), dbSNP rs866446047, ClinGen allele CA391998946.

ClinVar aggregate classification (germline): Uncertain significance (1 of 4 stars; one submission).

Conditions:
Autosomal recessive limb-girdle muscular dystrophy type 2A (LGMDR1). Also called: LEYDEN-MOEBIUS MUSCULAR DYSTROPHY; MUSCULAR DYSTROPHY, PELVOFEMORAL; Limb-girdle muscular dystrophy, type 2A; Calpainopathy; Muscular dystrophy, limb-girdle, type 2A, Amish. Identifiers: Orphanet 267, MedGen C1869123, MONDO:0009675, OMIM 253600. Disease mechanism: loss of function.

gnomAD v4.1: 1 of 1,558,718 alleles (0.000064%); no homozygotes.

Submission:

Labcorp Genetics (formerly Invitae), Labcorp
Classification: Uncertain significance for Autosomal recessive limb-girdle muscular dystrophy type 2A. Last evaluated: 2022-07-06. Review status: criteria provided, single submitter. Criteria: Invitae Variant Classification Sherloc (09022015). Collection method: clinical testing. Allele origin: germline.
Comment: This sequence change replaces glycine, which is neutral and non-polar, with serine, which is neutral and polar, at codon 348 of the CAPN3 protein (p.Gly348Ser). This variant is not present in population databases (gnomAD no frequency). This variant has not been reported in the literature in individuals affected with CAPN3-related conditions. Algorithms developed to predict the effect of missense changes on protein structure and function (SIFT, PolyPhen-2, Align-GVGD) all suggest that this variant is likely to be tolerated. In summary, the available evidence is currently insufficient to determine the role of this variant in disease. Therefore, it has been classified as a Variant of Uncertain Significance.